The following is an entry in ClinVar:

ClinVar aggregate classification (germline): Pathogenic/Likely pathogenic. Review status: criteria provided, multiple submitters, no conflicts (2 of 4 stars). 3 submissions from 3 submitters: Pathogenic (1); Likely pathogenic (2). Last evaluated 2026-09-08.

Conditions:
Cardiovascular phenotype. Identifiers: MedGen CN230736.
Fabry disease. Also called: Fabry's disease; Angiokeratoma corporis diffusum; CERAMIDE TRIHEXOSIDASE DEFICIENCY; GLA DEFICIENCY; HEREDITARY DYSTOPIC LIPIDOSIS; ALPHA-GALACTOSIDASE A DEFICIENCY. Identifiers: Orphanet 324, MedGen C0002986, MONDO:0010526, OMIM 301500, HP:0001071. Disease mechanism: loss of function, Fabry disease is due to inactivating mutations in the X-linked GLA gene resulting in deficiency of the enzyme Alpha Galactosidase-A..

Submissions (3):

Genomenon, Inc
Classification: Likely pathogenic for Fabry disease. Last evaluated: 2026-09-08. Review status: criteria provided, single submitter. Criteria: Genomenon Sequence Variant Interpretation Standards - Updated. Collection method: curation. Allele origin: germline. Affected: yes.
Comment: GLA p.Gln321Arg (c.962A>G) is a missense variant that changes the amino acid at codon 321 from Glutamine to Arginine. This variant has been observed in at least one proband with clinical features consistent with Fabry disease (PMID:20022777;39766319;25750198;33633114;16595074). Functional or patient cell studies have been reported (PMID:24386359;27657681). The presence of pathogenic/likely pathogenic missense variant(s) at the same amino acid position indicates that this residue is likely important for protein function. It is absent or not present at a significant frequency in gnomAD. In silico models predict that this variant is possibly or probably damaging. In conclusion, we classify GLA p.Gln321Arg (c.962A>G) as a likely pathogenic variant.

Ambry Genetics
Classification: Likely pathogenic for Cardiovascular phenotype. Last evaluated: 2020-06-15. Review status: criteria provided, single submitter. Criteria: Ambry Variant Classification Scheme 2023. Collection method: clinical testing. Allele origin: germline.
Comment: The p.Q321R variant (also known as c.962A>G), located in coding exon 6 of the GLA gene, results from an A to G substitution at nucleotide position 962. The glutamine at codon 321 is replaced by arginine, an amino acid with highly similar properties. This variant has been detected in multiple individuals from Fabry disease cohorts (Shabbeer J et al. Hum. Genomics, 2006 Mar;2:297-309; Sirrs S et al. Mol. Genet. Metab., 2010 Apr;99:367-73; Lavoie P et al. Anal. Chem., 2013 Feb;85:1743-52; Putko BN et al. Eur Heart J Cardiovasc Imaging, 2015 Oct;16:1129-36). Other variants affecting this codon (Q321E (c.961C>G), Q321L (c.962A>T), and Q321H (c.963G>C)) have been reported in association with Fabry disease; however, clinical details were limited in several cases (Topaloglu AK et al. Mol. Med., 1999 Dec;5:806-11; Auray-Blais C et al. Mol. Genet. Metab., 2008 Mar;93:331-40; Lukas J et al. PLoS Genet., 2013 Aug;9:e1003632). This amino acid position is highly conserved in available vertebrate species. In addition, this alteration is predicted to be deleterious by in silico analysis. Based on the majority of available evidence to date, this variant is likely to be pathogenic.

Women's Health and Genetics/Laboratory Corporation of America, LabCorp
Classification: Pathogenic for Fabry disease. Last evaluated: 2019-07-03. Review status: criteria provided, single submitter. Criteria: LabCorp Variant Classification Summary - May 2015. Collection method: clinical testing. Allele origin: germline.
Comment: Variant summary: GLA c.962A>G (p.Gln321Arg) results in a conservative amino acid change located in the last alpha-helix (alpha8) of the N-terminal beta/alpha-barrel region (Shabbeer_2006) of the encoded protein sequence. Four of five in-silico tools predict a damaging effect of the variant on protein function. The variant was absent in 183503 control chromosomes (gnomAD). c.962A>G has been reported in the literature in multiple individuals affected with Fabry Disease (Shabbeer_2006, Lavoie_2013, Sirrs_2010). These data indicate that the variant is very likely to be associated with disease. At least one publication reports experimental evidence evaluating an impact on protein function. The most pronounced variant effect results in 10%-<30% of normal activity (Benjamin_2016). No clinical diagnostic laboratories have submitted clinical-significance assessments for this variant to ClinVar after 2014. Based on the evidence outlined above, the variant was classified as pathogenic.

Literature cited by the submitters: PubMed 20022777 (cited by 3 submitters); PubMed 39766319 (cited by Genomenon, Inc); PubMed 25750198 (cited by Genomenon, Inc and Ambry Genetics); PubMed 33633114 (cited by Genomenon, Inc); PubMed 16595074 (cited by 3 submitters); PubMed 24386359 (cited by Genomenon, Inc and Ambry Genetics); PubMed 27657681 (cited by Genomenon, Inc and Women's Health and Genetics/Laboratory Corporation of America, LabCorp); PubMed 10666480 (cited by Ambry Genetics); PubMed 18023222 (cited by Ambry Genetics); PubMed 23248976 (cited by Ambry Genetics and Women's Health and Genetics/Laboratory Corporation of America, LabCorp); PubMed 23935525 (cited by Ambry Genetics); PubMed 25382311 (cited by Ambry Genetics and Women's Health and Genetics/Laboratory Corporation of America, LabCorp).

NM_000169.3(GLA):c.962A>G (p.Gln321Arg)

Genes: GLA (galactosidase alpha; minus strand), RPL36A-HNRNPH2 (RPL36A-HNRNPH2 readthrough; plus strand). Cytogenetic location: Xq22.1.
Variant type: single nucleotide variant.
Coding change: c.962A>G on transcript NM_000169.3 (MANE Select); coding-DNA position 962, A replaced by G.
Protein change: p.Gln321Arg; replaces glutamine 321 with arginine.
Molecular consequence: missense variant. On other transcripts: non-coding transcript variant (3), intron variant (2).
Genome position (GRCh38, 1-based): chrX:101,398,407, T>C on the plus strand (A>G on the coding strand, the complement: GLA is on the minus strand). VCF-style: chrX-101398407-T-C. GRCh37 (hg19) VCF-style: chrX-100653395-T-C.
Other names: c.1085A>G, p.Gln362Arg (NM_001406747.1); c.962A>G, p.Gln321Arg (NM_001406748.1); c.300+2950T>C (NM_001199973.2); c.177+6585T>C (NM_001199974.2); short protein forms Q321R, Q362R.
Identifiers: ClinVar variation 928722 (VCV000928722.5), dbSNP rs1928161905, ClinGen allele CA413921519.
Genomic context (GRCh38, chrX:101,398,407, plus strand): 5'-TTAAAATATATACTCTTATTTACCTGTCTAAGCTGGTACCCTTGCTTGCCCAAGGGGTCC[T>C]GATTGATGGCAATTACGTCCTTATCCTGAAGGAGAGCTTTGGCTTGAGGGCTGATGTGTC-3'
Protein context (NP_000160.1, residues 311-331): LQDKDVIAIN[Gln321Arg]DPLGKQGYQL